The following is an entry in ClinVar:

ClinVar aggregate classification (germline): Conflicting classifications of pathogenicity. Review status: criteria provided, conflicting classifications (1 of 4 stars). 5 submissions from 5 submitters: Uncertain significance (4); Likely benign (1). Last evaluated 2025-12-11.

Conditions:
Hereditary cancer-predisposing syndrome. Also called: Neoplastic Syndromes, Hereditary; Hereditary Cancer Syndrome; Tumor predisposition; Hereditary neoplastic syndrome. Identifiers: Orphanet 140162, MedGen C0027672, MeSH D009386, MONDO:0015356.
Hereditary breast ovarian cancer syndrome. Also called: Hereditary breast and ovarian cancer; Hereditary breast and ovarian cancer syndrome; Breast and ovarian cancer; BRCA1- and BRCA2-Associated Hereditary Breast and Ovarian Cancer; Hereditary breast and/or ovarian cancer syndrome; Hereditary breast and ovarian cancer syndrome (HBOC). Identifiers: Orphanet 145, MedGen C0677776, MeSH D061325, MONDO:0003582. Disease mechanism: loss of function.

Submissions (5):

Ambry Genetics
Classification: Uncertain significance for Hereditary cancer-predisposing syndrome. Last evaluated: 2025-12-11. Review status: criteria provided, single submitter. Criteria: Ambry Variant Classification Scheme 2023. Collection method: clinical testing. Allele origin: germline.
Comment: The p.H448R variant (also known as c.1343A>G), located in coding exon 9 of the BRCA1 gene, results from an A to G substitution at nucleotide position 1343. The histidine at codon 448 is replaced by arginine, an amino acid with highly similar properties. This amino acid position is not well conserved in available vertebrate species. In addition, the in silico prediction for this alteration is inconclusive. Based on the available evidence, the clinical significance of this variant remains unclear.

Women's Health and Genetics/Laboratory Corporation of America, LabCorp
Classification: Uncertain significance. Last evaluated: 2025-02-12. Review status: criteria provided, single submitter. Criteria: LabCorp Variant Classification Summary - May 2015. Collection method: clinical testing. Allele origin: germline.
Comment: Variant summary: BRCA1 c.1343A>G (p.His448Arg) results in a non-conservative amino acid change located in the Serine-rich domain associated with BRCT (IPR025994) of the encoded protein sequence. Four of five in-silico tools predict a benign effect of the variant on protein function. The variant was absent in 250878 control chromosomes. The available data on variant occurrences in the general population are insufficient to allow any conclusion about variant significance. c.1343A>G has been reported in the literature in at least one individual with personal or family history of Hereditary Breast And Ovarian Cancer Syndrome without evidence of causality (e.g. Herzog_2021). This report does not provide unequivocal conclusions about association of the variant with Hereditary Breast And Ovarian Cancer Syndrome. To our knowledge, no experimental evidence demonstrating an impact on protein function has been reported. The following publication has been ascertained in the context of this evaluation (PMID: 34413315). ClinVar contains an entry for this variant (Variation ID: 993198). Based on the evidence outlined above, the variant was classified as uncertain significance.

University of Washington Department of Laboratory Medicine, University of Washington
Classification: Likely benign for Hereditary cancer-predisposing syndrome. Last evaluated: 2023-03-23. Review status: criteria provided, single submitter. Criteria: Dines et al. (Genet Med. 2020). Collection method: curation. Allele origin: germline.
Comment: Missense variant in a coldspot region where missense variants are very unlikely to be pathogenic (PMID:31911673).

BRCA1 coldspot (exon 11 using historical exon numbering). Reclassification based on statistical prior probability

Labcorp Genetics (formerly Invitae), Labcorp
Classification: Uncertain significance for Hereditary breast ovarian cancer syndrome. Last evaluated: 2020-04-14. Review status: criteria provided, single submitter. Criteria: Invitae Variant Classification Sherloc (09022015). Collection method: clinical testing. Allele origin: germline.
Comment: In summary, the available evidence is currently insufficient to determine the role of this variant in disease. Therefore, it has been classified as a Variant of Uncertain Significance. Algorithms developed to predict the effect of missense changes on protein structure and function output the following: SIFT: "Tolerated"; PolyPhen-2: "Benign"; Align-GVGD: "Class C0". The arginine amino acid residue is found in multiple mammalian species, suggesting that this missense change does not adversely affect protein function. These predictions have not been confirmed by published functional studies and their clinical significance is uncertain. This variant has not been reported in the literature in individuals with BRCA1-related conditions. This variant is not present in population databases (ExAC no frequency). This sequence change replaces histidine with arginine at codon 448 of the BRCA1 protein (p.His448Arg). The histidine residue is moderately conserved and there is a small physicochemical difference between histidine and arginine.

Quest Diagnostics Nichols Institute San Juan Capistrano
Classification: Uncertain significance. Last evaluated: 2020-04-09. Review status: criteria provided, single submitter. Criteria: Quest Diagnostics criteria. Collection method: clinical testing. Allele origin: unknown.

Literature cited by the submitters: PubMed 34413315 (cited by Women's Health and Genetics/Laboratory Corporation of America, LabCorp).

NM_007294.4(BRCA1):c.1343A>G (p.His448Arg)

Gene: BRCA1 (BRCA1 DNA repair associated; minus strand). Cytogenetic location: 17q21.31.
Variant type: single nucleotide variant.
Coding change: c.1343A>G on transcript NM_007294.4 (MANE Select); coding-DNA position 1343, A replaced by G.
Protein change: p.His448Arg; replaces histidine 448 with arginine.
Molecular consequence: missense variant. On other transcripts: intron variant (137).
Genome position (GRCh38, 1-based): chr17:43,094,188, T>C on the plus strand (A>G on the coding strand, the complement: BRCA1 is on the minus strand). VCF-style: chr17-43094188-T-C. GRCh37 (hg19) VCF-style: chr17-41246205-T-C.
Other names: c.1130A>G, p.His377Arg (NM_001407571.1, NM_001407853.1, NM_001407894.1 and 9 more transcripts); c.1343A>G, p.His448Arg (NM_001407581.1, NM_001407582.1, NM_001407583.1 and 30 more transcripts); c.1340A>G, p.His447Arg (NM_001407587.1, NM_001407590.1, NM_001407591.1 and 22 more transcripts); c.1334A>G, p.His445Arg (NM_001407646.1, NM_001407647.1); c.1220A>G, p.His407Arg (NM_001407648.1, NM_001407664.1, NM_001407665.1 and 19 more transcripts); c.1217A>G, p.His406Arg (NM_001407649.1, NM_001407670.1, NM_001407671.1 and 11 more transcripts); c.1265A>G, p.His422Arg (NM_001407653.1, NM_001407654.1, NM_001407655.1 and 4 more transcripts); c.1262A>G, p.His421Arg (NM_001407659.1, NM_001407660.1, NM_001407661.1 and 1 more transcripts); and 40 more; short protein forms H401R, H448R, H280R, H320R, H321R, H378R, H381R, H422R.
Identifiers: ClinVar variation 993198 (VCV000993198.23), dbSNP rs1597876676, ClinGen allele CA10599364.